The following is an entry in ClinVar:

NM_001379081.2(FREM1):c.5220G>T (p.Trp1740Cys)

Gene: FREM1 (FRAS1 related extracellular matrix 1; minus strand). Cytogenetic location: 9p22.3.
Variant type: single nucleotide variant.
Coding change: c.5220G>T on transcript NM_001379081.2 (MANE Select); coding-DNA position 5220, G replaced by T.
Protein change: p.Trp1740Cys; replaces tryptophan 1740 with cysteine.
Molecular consequence: missense variant. On other transcripts: non-coding transcript variant (2).
Genome position (GRCh38, 1-based): chr9:14,759,886, C>A on the plus strand (G>T on the coding strand, the complement: FREM1 is on the minus strand). VCF-style: chr9-14759886-C-A. GRCh37 (hg19) VCF-style: chr9-14759884-C-A.
Other names: c.828G>T, p.Trp276Cys (NM_001177704.3, NM_001370058.2, NM_001370061.2); c.5220G>T, p.Trp1740Cys (NM_144966.7); short protein forms W1740C, W276C.
Identifiers: ClinVar variation 985974 (VCV000985974.7), dbSNP rs995343347, ClinGen allele CA189348859.

ClinVar aggregate classification (germline): Uncertain significance. Review status: criteria provided, multiple submitters, no conflicts (2 of 4 stars). 4 submissions from 4 submitters: Uncertain significance (4). Last evaluated 2024-11-25.

Conditions:
Inborn genetic diseases. Identifiers: MedGen C0950123, MeSH D030342.
Trigonocephaly 2 (TRIGNO2). Identifiers: Orphanet 3366, MedGen C3280974, MONDO:0013774, OMIM 614485.
Oculotrichoanal syndrome (MOTA). Also called: Manitoba Oculotrichoanal (MOTA) Syndrome; MARLES SYNDROME. Identifiers: Orphanet 2717, MedGen C1855425, MONDO:0009560, OMIM 248450.
BNAR syndrome. Also called: Bifid Nose With or Without Anorectal and Renal Anomalies (BNAR) Syndrome. Identifiers: Orphanet 217266, MedGen C2750433, MONDO:0012165, OMIM 608980.

Allele frequency attached by ClinVar (database versions not stated): gnomAD exomes below 0.00001; TOPMed below 0.00001.
gnomAD v4.1: 8 of 1,610,868 alleles (0.0005%); highest among the groups gnomAD compares: East Asian, 0.0022%; no homozygotes.

Submissions (4):

Blueprint Genetics
Classification: Uncertain significance. Last evaluated: 2024-11-25. Review status: criteria provided, single submitter. Criteria: ACMG Guidelines, 2015. Collection method: clinical testing. Allele origin: germline.

Fulgent Genetics
Classification: Uncertain significance for Oculotrichoanal syndrome; BNAR syndrome; Trigonocephaly 2. Last evaluated: 2024-06-20. Review status: criteria provided, single submitter. Criteria: ACMG Guidelines, 2015. Collection method: clinical testing. Allele origin: germline.

Labcorp Genetics (formerly Invitae), Labcorp
Classification: Uncertain significance. Last evaluated: 2022-05-17. Review status: criteria provided, single submitter. Criteria: Invitae Variant Classification Sherloc (09022015). Collection method: clinical testing. Allele origin: germline.
Comment: This sequence change replaces tryptophan, which is neutral and slightly polar, with cysteine, which is neutral and slightly polar, at codon 1740 of the FREM1 protein (p.Trp1740Cys). This variant is present in population databases (no rsID available, gnomAD 0.006%). This variant has not been reported in the literature in individuals affected with FREM1-related conditions. ClinVar contains an entry for this variant (Variation ID: 985974). Algorithms developed to predict the effect of missense changes on protein structure and function are either unavailable or do not agree on the potential impact of this missense change (SIFT: "Deleterious"; PolyPhen-2: "Probably Damaging"; Align-GVGD: "Class C0"). In summary, the available evidence is currently insufficient to determine the role of this variant in disease. Therefore, it has been classified as a Variant of Uncertain Significance.

Ambry Genetics
Classification: Uncertain significance for Inborn genetic diseases. Last evaluated: 2019-11-12. Review status: criteria provided, single submitter. Criteria: Ambry exome assertion method (8-5-2015). Collection method: clinical testing. Allele origin: germline. Affected: yes. Observed: 1 variant allele.